The following is an entry in ClinVar:

NM_006231.4(POLE):c.5822A>G (p.Gln1941Arg)

Gene: POLE (DNA polymerase epsilon, catalytic subunit; minus strand). Cytogenetic location: 12q24.33.
Variant type: single nucleotide variant.
Coding change: c.5822A>G on transcript NM_006231.4 (MANE Select); coding-DNA position 5822, A replaced by G.
Protein change: p.Gln1941Arg; replaces glutamine 1941 with arginine.
Molecular consequence: missense variant.
Genome position (GRCh38, 1-based): chr12:132,634,368, T>C on the plus strand (A>G on the coding strand, the complement: POLE is on the minus strand). VCF-style: chr12-132634368-T-C. GRCh37 (hg19) VCF-style: chr12-133210954-T-C.
Other names: short protein forms Q1941R.
Identifiers: ClinVar variation 3422229 (VCV003422229.1).

ClinVar aggregate classification (germline): Uncertain significance (1 of 4 stars; one submission).

Conditions:
Hereditary cancer-predisposing syndrome. Also called: Neoplastic Syndromes, Hereditary; Tumor predisposition; Hereditary Cancer Syndrome; Hereditary neoplastic syndrome. Identifiers: Orphanet 140162, MedGen C0027672, MeSH D009386, MONDO:0015356.

Submission:

Ambry Genetics
Classification: Uncertain significance for Hereditary cancer-predisposing syndrome. Last evaluated: 2024-11-28. Review status: criteria provided, single submitter. Criteria: Ambry Variant Classification Scheme 2023. Collection method: clinical testing. Allele origin: germline.
Comment: The p.Q1941R variant (also known as c.5822A>G), located in coding exon 43 of the POLE gene, results from an A to G substitution at nucleotide position 5822. The glutamine at codon 1941 is replaced by arginine, an amino acid with highly similar properties. This amino acid position is conserved. In addition, this alteration is predicted to be tolerated by in silico analysis. Based on the available evidence, the clinical significance of this variant remains unclear.